The following is an entry in ClinVar:

ClinVar aggregate classification (germline): Uncertain significance. Review status: reviewed by expert panel (3 of 4 stars). 2 submissions from 2 submitters: Uncertain significance (1). 1 of the submissions does not count toward it. Last evaluated 2024-10-29.

Conditions:
Hereditary thrombocytopenia and hematological cancer predisposition syndrome associated with RUNX1. Also called: RUNX1 Familial Platelet Disorder with Associated Myeloid Malignancies; Familial Platelet Disorder with Propensity to Acute Myelogenous Leukemia; Familial thrombocytopenia with propensity to acute myelogenous leukemia; PLATELET DISORDER, ASPIRIN-LIKE. Identifiers: Orphanet 71290, MedGen C1832388, MeSH C563324, MONDO:0100083, OMIM 601399.

gnomAD v4.1: 1 of 1,499,646 alleles (0.000067%); highest among the groups gnomAD compares: Non-Finnish European, 0.00009%; no homozygotes.

Submissions (2):

ClinGen Myeloid Malignancy Variant Curation Expert Panel
Classification: Uncertain significance for Hereditary thrombocytopenia and hematological cancer predisposition syndrome associated with RUNX1. Last evaluated: 2024-10-29. Review status: reviewed by expert panel. Criteria: ClinGen MyeloMalig ACMG Specifications v2. Collection method: curation. Allele origin: germline. Inheritance: Autosomal dominant inheritance.
Comment: NM_001754.5(RUNX1):c.623A>G (p.Gln208Arg) is a missense variant which does not meet any ACMG/AMP criteria. In summary, the clinical significance of this variant is uncertain. ACMG/AMP criteria applied, as specified by the Myeloid Malignancy Variant Curation Expert Panel for RUNX1: None.

Labcorp Genetics (formerly Invitae), Labcorp
Classification: Uncertain significance for Hereditary thrombocytopenia and hematological cancer predisposition syndrome associated with RUNX1. Last evaluated: 2024-04-22. Review status: criteria provided, single submitter. Criteria: Invitae Variant Classification Sherloc (09022015). Collection method: clinical testing. Allele origin: germline. Not counted in ClinVar's aggregate classification.
Comment: This sequence change replaces glutamine, which is neutral and polar, with arginine, which is basic and polar, at codon 208 of the RUNX1 protein (p.Gln208Arg). This variant is not present in population databases (gnomAD no frequency). This variant has not been reported in the literature in individuals affected with RUNX1-related conditions. ClinVar contains an entry for this variant (Variation ID: 1496920). Advanced modeling of protein sequence and biophysical properties (such as structural, functional, and spatial information, amino acid conservation, physicochemical variation, residue mobility, and thermodynamic stability) has been performed at Invitae for this missense variant, however the output from this modeling did not meet the statistical confidence thresholds required to predict the impact of this variant on RUNX1 protein function. In summary, the available evidence is currently insufficient to determine the role of this variant in disease. Therefore, it has been classified as a Variant of Uncertain Significance.

NM_001754.5(RUNX1):c.623A>G (p.Gln208Arg)

Gene: RUNX1 (RUNX family transcription factor 1; minus strand). Cytogenetic location: 21q22.12.
Variant type: single nucleotide variant.
Coding change: c.623A>G on transcript NM_001754.5 (MANE Select); coding-DNA position 623, A replaced by G.
Protein change: p.Gln208Arg; replaces glutamine 208 with arginine.
Molecular consequence: missense variant.
Genome position (GRCh38, 1-based): chr21:34,834,592, T>C on the plus strand (A>G on the coding strand, the complement: RUNX1 is on the minus strand). VCF-style: chr21-34834592-T-C. GRCh37 (hg19) VCF-style: chr21-36206889-T-C.
Other names: NM_001754.5(RUNX1):c.623A>G; p.Gln208Arg; c.542A>G, p.Gln181Arg (NM_001001890.3, NM_001122607.2); short protein forms Q181R, Q208R.
Identifiers: ClinVar variation 1496920 (VCV001496920.9), dbSNP rs777320434, ClinGen allele CA410207187.